The following is an entry in ClinVar:

NM_001369.3(DNAH5):c.4687G>A (p.Gly1563Ser)

Genes: DNAH5 (dynein axonemal heavy chain 5; minus strand), DNAH5-AS1 (DNAH5 antisense RNA 1; plus strand). Cytogenetic location: 5p15.2.
Variant type: single nucleotide variant.
Coding change: c.4687G>A on transcript NM_001369.3 (MANE Select); coding-DNA position 4687, G replaced by A.
Protein change: p.Gly1563Ser; replaces glycine 1563 with serine.
Molecular consequence: missense variant.
Genome position (GRCh38, 1-based): chr5:13,862,657, C>T on the plus strand (G>A on the coding strand, the complement: DNAH5 is on the minus strand). VCF-style: chr5-13862657-C-T. GRCh37 (hg19) VCF-style: chr5-13862766-C-T.
Other names: short protein forms G1563S.
Identifiers: ClinVar variation 227326 (VCV000227326.17), dbSNP rs147567352, ClinGen allele CA3203913.

ClinVar aggregate classification (germline): Likely benign. Review status: criteria provided, multiple submitters, no conflicts (2 of 4 stars). 5 submissions from 5 submitters: Likely benign (5). Last evaluated 2025-12-29.

Conditions:
Primary ciliary dyskinesia. Also called: Ciliary dyskinesia. Identifiers: Orphanet 244, MedGen C0008780, MONDO:0016575, HP:0012265.

Allele frequency attached by ClinVar (database versions not stated): ExAC 0.00006; gnomAD exomes 0.00006; TOPMed 0.00012; gnomAD 0.00015; ESP Exome Variant Server 0.00038.
gnomAD v4.1: 142 of 1,613,870 alleles (0.0088%); highest among the groups gnomAD compares: Middle Eastern, 0.66%; no homozygotes.

Submissions (5):

Labcorp Genetics (formerly Invitae), Labcorp
Classification: Likely benign for Primary ciliary dyskinesia. Last evaluated: 2025-12-29. Review status: criteria provided, single submitter. Criteria: Invitae Variant Classification Sherloc (09022015). Collection method: clinical testing. Allele origin: germline.

Blueprint Genetics
Classification: Likely benign. Last evaluated: 2024-08-22. Review status: criteria provided, single submitter. Criteria: ACMG Guidelines, 2015. Collection method: clinical testing. Allele origin: germline.

Ambry Genetics
Classification: Likely benign for Primary ciliary dyskinesia. Last evaluated: 2019-04-12. Review status: criteria provided, single submitter. Criteria: Ambry Variant Classification Scheme 2023. Collection method: clinical testing. Allele origin: germline.

Laboratory for Molecular Medicine, Mass General Brigham Personalized Medicine
Classification: Likely benign. Last evaluated: 2015-12-16. Review status: criteria provided, single submitter. Criteria: LMM Criteria. Collection method: clinical testing. Allele origin: germline. Observed: 1 variant allele.
Comment: p.Gly1563Ser in exon 29 of DNAH5: This variant is not expected to have clinical significance due to a lack of conservation across species, including mammals. Of note, 8 mammals (Baboon, Prairie vole, Chinese hamster, Mouse, Rat, Horse, Hedg ehog, Shrew) have a serine (Ser) at this position despite high nearby amino acid conservation. In addition, computational prediction tools do not suggest a high likelihood of impact to the protein.

Breakthrough Genomics
Classification: Likely benign. Review status: criteria provided, single submitter. Criteria: ACMG Guidelines, 2015. Collection method: not provided. Allele origin: germline. Inheritance: Autosomal recessive inheritance. Affected: yes.

Literature cited by the submitters: PubMed 27428751 (cited by Ambry Genetics).